The following is an entry in ClinVar:

ClinVar aggregate classification (germline): Uncertain significance (1 of 4 stars; one submission).

Conditions:
Holoprosencephaly 11 (HPE11). Identifiers: Orphanet 2162, MedGen C3280215, MONDO:0013642, OMIM 614226.

Submission:

Labcorp Genetics (formerly Invitae), Labcorp
Classification: Uncertain significance for Holoprosencephaly 11. Last evaluated: 2024-04-08. Review status: criteria provided, single submitter. Criteria: Invitae Variant Classification Sherloc (09022015). Collection method: clinical testing. Allele origin: germline.
Comment: This sequence change replaces glutamic acid, which is acidic and polar, with glycine, which is neutral and non-polar, at codon 1148 of the CDON protein (p.Glu1148Gly). This variant is not present in population databases (gnomAD no frequency). This variant has not been reported in the literature in individuals affected with CDON-related conditions. Advanced modeling of protein sequence and biophysical properties (such as structural, functional, and spatial information, amino acid conservation, physicochemical variation, residue mobility, and thermodynamic stability) performed at Invitae indicates that this missense variant is not expected to disrupt CDON protein function with a negative predictive value of 80%. In summary, the available evidence is currently insufficient to determine the role of this variant in disease. Therefore, it has been classified as a Variant of Uncertain Significance.

NM_001378964.1(CDON):c.3443A>G (p.Glu1148Gly)

Gene: CDON (cell adhesion associated, oncogene regulated; minus strand). Cytogenetic location: 11q24.2.
Variant type: single nucleotide variant.
Coding change: c.3443A>G on transcript NM_001378964.1 (MANE Select); coding-DNA position 3443, A replaced by G.
Protein change: p.Glu1148Gly; replaces glutamic acid 1148 with glycine.
Molecular consequence: missense variant.
Genome position (GRCh38, 1-based): chr11:125,961,912, T>C on the plus strand (A>G on the coding strand, the complement: CDON is on the minus strand). VCF-style: chr11-125961912-T-C. GRCh37 (hg19) VCF-style: chr11-125831807-T-C.
Other names: c.3443A>G, p.Glu1148Gly (NM_001243597.3, NM_016952.6); short protein forms E1148G.
Identifiers: ClinVar variation 3648512 (VCV003648512.2).